The following is an entry in ClinVar:

NM_207352.4(CYP4V2):c.862G>C (p.Gly288Arg)

Gene: CYP4V2 (cytochrome P450 family 4 subfamily V member 2; plus strand). Cytogenetic location: 4q35.2.
Variant type: single nucleotide variant.
Coding change: c.862G>C on transcript NM_207352.4 (MANE Select); coding-DNA position 862, G replaced by C.
Protein change: p.Gly288Arg; replaces glycine 288 with arginine.
Molecular consequence: missense variant.
Genome position (GRCh38, 1-based): chr4:186,201,217, G>C. VCF-style: chr4-186201217-G-C. GRCh37 (hg19) VCF-style: chr4-187122371-G-C.
Other names: short protein forms G288R.
Identifiers: ClinVar variation 944909 (VCV000944909.8), dbSNP rs370303148, ClinGen allele CA112127744.

ClinVar aggregate classification (germline): Uncertain significance. Review status: criteria provided, multiple submitters, no conflicts (2 of 4 stars). 3 submissions from 3 submitters: Uncertain significance (3). Last evaluated 2026-03-16.

Conditions:
CYP4V2-related disorder. Also called: CYP4V2-related condition; CYP4V2-related disorders.

Allele frequency attached by ClinVar (database versions not stated): TOPMed 0.00002; ESP Exome Variant Server 0.00008.

Submissions (3):

PreventionGenetics, part of Exact Sciences
Classification: Uncertain significance for CYP4V2-related condition. Last evaluated: 2026-03-16. Review status: criteria provided, single submitter. Criteria: ACMG Guidelines, 2015. Collection method: clinical testing. Allele origin: germline.
Comment: The CYP4V2 c.862G>C variant is predicted to result in the amino acid substitution p.Gly288Arg. To our knowledge, this variant has not been reported in the literature. This variant is reported in 0.0046% of alleles in individuals of European (Non-Finnish) descent in gnomAD. At this time, the clinical significance of this variant is uncertain due to the absence of conclusive functional and genetic evidence.

Labcorp Genetics (formerly Invitae), Labcorp
Classification: Uncertain significance. Last evaluated: 2025-04-16. Review status: criteria provided, single submitter. Criteria: Invitae Variant Classification Sherloc (09022015). Collection method: clinical testing. Allele origin: germline.
Comment: This sequence change replaces glycine, which is neutral and non-polar, with arginine, which is basic and polar, at codon 288 of the CYP4V2 protein (p.Gly288Arg). This variant is present in population databases (rs370303148, gnomAD 0.005%). This variant has not been reported in the literature in individuals affected with CYP4V2-related conditions. ClinVar contains an entry for this variant (Variation ID: 944909). Invitae Evidence Modeling of protein sequence and biophysical properties (such as structural, functional, and spatial information, amino acid conservation, physicochemical variation, residue mobility, and thermodynamic stability) has been performed for this missense variant. However, the output from this modeling did not meet the statistical confidence thresholds required to predict the impact of this variant on CYP4V2 protein function. In summary, the available evidence is currently insufficient to determine the role of this variant in disease. Therefore, it has been classified as a Variant of Uncertain Significance.

Blueprint Genetics
Classification: Uncertain significance. Last evaluated: 2022-09-12. Review status: criteria provided, single submitter. Criteria: ACMG Guidelines, 2015. Collection method: clinical testing. Allele origin: germline.